The following is an entry in ClinVar:

NM_020853.2(FAM234B):c.884G>A (p.Arg295Gln)

Gene: FAM234B (family with sequence similarity 234 member B; plus strand). Cytogenetic location: 12p13.1.
Variant type: single nucleotide variant.
Coding change: c.884G>A on transcript NM_020853.2 (MANE Select); coding-DNA position 884, G replaced by A.
Protein change: p.Arg295Gln; replaces arginine 295 with glutamine.
Molecular consequence: missense variant.
Genome position (GRCh38, 1-based): chr12:13,066,671, G>A. VCF-style: chr12-13066671-G-A. GRCh37 (hg19) VCF-style: chr12-13219605-G-A.
Other names: short protein forms R295Q.
Identifiers: ClinVar variation 3037880 (VCV003037880.2), dbSNP rs62636619, ClinGen allele CA6459668.

ClinVar aggregate classification (germline): Benign (0 of 4 stars; one submission).

Conditions:
FAM234B-related disorder. Also called: FAM234B-related condition.

Allele frequency attached by ClinVar (database versions not stated): ExAC 0.01176; gnomAD 0.03664; TOPMed 0.04152; ESP Exome Variant Server 0.04252; 1000 Genomes Project 0.04293; 1000 Genomes Project 30x 0.04669.
gnomAD v4.1: 10,925 of 1,613,616 alleles (0.68%); highest among the groups gnomAD compares: African/African-American, 13%; 644 homozygotes.

Submission:

PreventionGenetics, part of Exact Sciences
Classification: Benign for FAM234B-related condition. Last evaluated: 2019-05-01. Review status: no assertion criteria provided. Collection method: clinical testing. Allele origin: germline.
Comment: This variant is classified as benign based on ACMG/AMP sequence variant interpretation guidelines (Richards et al. 2015 PMID: 25741868, with internal and published modifications).